The following is an entry in ClinVar:

ClinVar aggregate classification (germline): Benign (1 of 4 stars; one submission).

Allele frequency attached by ClinVar (database versions not stated): gnomAD 0.45735 and 0.46631; TOPMed 0.45854; 1000 Genomes Project 30x 0.52858; 1000 Genomes Project 0.53514.
gnomAD v4.1: 70,833 of 151,874 alleles (47%); highest among the groups gnomAD compares: South Asian, 68%; 17,021 homozygotes.

Submission:

GeneDx
Classification: Benign. Last evaluated: 2018-06-14. Review status: criteria provided, single submitter. Criteria: GeneDx Variant Classification (06012015). Collection method: clinical testing. Allele origin: germline. Affected: yes.
Comment: This variant is considered likely benign or benign based on one or more of the following criteria: it is a conservative change, it occurs at a poorly conserved position in the protein, it is predicted to be benign by multiple in silico algorithms, and/or has population frequency not consistent with disease.

NM_001105206.3(LAMA4):c.5112+245C>T

Gene: LAMA4 (laminin subunit alpha 4; minus strand). Cytogenetic location: 6q21.
Variant type: single nucleotide variant.
Coding change: c.5112+245C>T on transcript NM_001105206.3 (MANE Select); 245 bases into the intron after coding-DNA position 5112, C replaced by T.
Molecular consequence: intron variant.
Genome position (GRCh38, 1-based): chr6:112,115,618, G>A on the plus strand (C>T on the coding strand, the complement: LAMA4 is on the minus strand). VCF-style: chr6-112115618-G-A. GRCh37 (hg19) VCF-style: chr6-112436821-G-A.
Other names: c.5091+245C>T (NM_002290.5, NM_001105207.3).
Identifiers: ClinVar variation 678505 (VCV000678505.1), dbSNP rs9481223, ClinGen allele CA144877868.